The following is an entry in ClinVar:

NM_004183.4(BEST1):c.842TCT[2] (p.Phe283del)

Gene: BEST1 (bestrophin 1; plus strand). Cytogenetic location: 11q12.3.
Variant type: Microsatellite.
Coding change: c.842TCT[2] on transcript NM_004183.4 (MANE Select); two copies in a row of the 3-base unit TCT starting at c.842; the reference has three copies in a row; one copy, 3 bases deleted; also written c.848_850del.
Protein change: p.Phe283del; deletes phenylalanine 283.
Molecular consequence: inframe deletion. On other transcripts: inframe indel (3), non-coding transcript variant (1).
Genome position (GRCh38, 1-based): chr11:61,958,279-61,958,281, TCT deleted; deleting any 3 consecutive bases within chr11:61,958,272-61,958,281 gives the same sequence; the position shown is the placement nearest the transcript's 3' end. VCF-style (leftmost placement, unchanged base first): chr11-61958271-GTTC-G. GRCh37 (hg19) VCF-style: chr11-61725743-GTTC-G.
Other names: c.848_850del (NM_004183.4); c.662_664TCT[2], p.Phe223del (NM_001139443.3); c.662TCT[2], p.Phe223del (NM_001300786.2, NM_001300787.2); c.524_526TCT[2], p.Phe177del (NM_001363591.3); c.842_844TCT[2], p.Phe283del (NM_001363592.2); c.-334_-332TCT[2] (NM_001363593.3); short protein forms F283del, F177del, F223del.
Identifiers: ClinVar variation 99756 (VCV000099756.10), dbSNP rs281865532, ClinGen allele CA227823.

ClinVar aggregate classification (germline): Conflicting classifications of pathogenicity. Review status: criteria provided, conflicting classifications (1 of 4 stars). 4 submissions from 4 submitters: Pathogenic (2); Uncertain significance (1). 1 of the submissions does not count toward it. Last evaluated 2022-11-26.

Conditions:
Retinal dystrophy. Also called: Inherited retinal dystrophy. Identifiers: Orphanet 71862, MedGen C0854723, MeSH D058499, MONDO:0019118, HP:0000556.
BEST1-related disorder. Also called: BEST1-related disorders; BEST1-related condition. Identifiers: MedGen CN239200.

Submissions (4):

Labcorp Genetics (formerly Invitae), Labcorp
Classification: Uncertain significance. Last evaluated: 2022-11-26. Review status: criteria provided, single submitter. Criteria: Invitae Variant Classification Sherloc (09022015). Collection method: clinical testing. Allele origin: germline.
Comment: This variant, c.848_850del, results in the deletion of 1 amino acid(s) of the BEST1 protein (p.Phe283del), but otherwise preserves the integrity of the reading frame. This variant is present in population databases (rs752354095, gnomAD 0.006%). In summary, the available evidence is currently insufficient to determine the role of this variant in disease. Therefore, it has been classified as a Variant of Uncertain Significance. Experimental studies and prediction algorithms are not available or were not evaluated, and the functional significance of this variant is currently unknown. This variant is also known as Del281Phe. This variant has been observed in individual(s) with clinical features of BEST1-related conditions (PMID: 10798642, 25545482, 26355662, 32278767).

Blueprint Genetics
Classification: Pathogenic for BEST1-related disorders. Last evaluated: 2021-11-22. Review status: criteria provided, single submitter. Criteria: ACMG Guidelines, 2015. Collection method: clinical testing. Allele origin: germline. Affected: yes. Observed: 5 variant alleles.

Institute of Human Genetics, Univ. Regensburg, Univ. Regensburg
Classification: Pathogenic for Retinal dystrophy. Last evaluated: 2018-01-01. Review status: criteria provided, single submitter. Criteria: ACMG Guidelines, 2015. Collection method: clinical testing. Allele origin: germline. Affected: yes.

Retina International
No classification provided. Review status: no classification provided. Collection method: not provided. Allele origin: not provided. Not counted in ClinVar's aggregate classification.

Literature cited by the submitters: PubMed 10798642 (cited by Labcorp Genetics (formerly Invitae), Labcorp and Institute of Human Genetics, Univ. Regensburg, Univ. Regensburg); PubMed 25545482 (cited by Labcorp Genetics (formerly Invitae), Labcorp and Institute of Human Genetics, Univ. Regensburg, Univ. Regensburg); PubMed 26355662 (cited by Labcorp Genetics (formerly Invitae), Labcorp and Institute of Human Genetics, Univ. Regensburg, Univ. Regensburg); PubMed 32278767 (cited by Labcorp Genetics (formerly Invitae), Labcorp); PubMed 34426522 (cited by Institute of Human Genetics, Univ. Regensburg, Univ. Regensburg); PubMed 35232319 (cited by Institute of Human Genetics, Univ. Regensburg, Univ. Regensburg).